The following is an entry in ClinVar:

NM_015041.3(CLUAP1):c.288G>C (p.Glu96Asp)

Gene: CLUAP1 (clusterin associated protein 1; plus strand). Cytogenetic location: 16p13.3.
Variant type: single nucleotide variant.
Coding change: c.288G>C on transcript NM_015041.3 (MANE Select); coding-DNA position 288, G replaced by C.
Protein change: p.Glu96Asp; replaces glutamic acid 96 with aspartic acid.
Molecular consequence: missense variant.
Genome position (GRCh38, 1-based): chr16:3,508,357, G>C. VCF-style: chr16-3508357-G-C. GRCh37 (hg19) VCF-style: chr16-3558357-G-C.
Other names: c.288G>C, p.Glu96Asp (NM_001330454.2); short protein forms E96D.
Identifiers: ClinVar variation 1916373 (VCV001916373.6), dbSNP rs765807717, ClinGen allele CA7863673.

ClinVar aggregate classification (germline): Uncertain significance. Review status: criteria provided, multiple submitters, no conflicts (2 of 4 stars). 2 submissions from 2 submitters: Uncertain significance (2). Last evaluated 2022-10-13.

Allele frequency attached by ClinVar (database versions not stated): ExAC 0.00001; TOPMed 0.00002; gnomAD 0.00004.
gnomAD v4.1: 7 of 1,610,410 alleles (0.00043%); highest among the groups gnomAD compares: African/African-American, 0.0094%; no homozygotes.

Submissions (2):

Labcorp Genetics (formerly Invitae), Labcorp
Classification: Uncertain significance. Last evaluated: 2022-10-13. Review status: criteria provided, single submitter. Criteria: Invitae Variant Classification Sherloc (09022015). Collection method: clinical testing. Allele origin: germline.
Comment: In summary, the available evidence is currently insufficient to determine the role of this variant in disease. Therefore, it has been classified as a Variant of Uncertain Significance. Advanced modeling of protein sequence and biophysical properties (such as structural, functional, and spatial information, amino acid conservation, physicochemical variation, residue mobility, and thermodynamic stability) performed at Invitae indicates that this missense variant is expected to disrupt CLUAP1 protein function. This variant has not been reported in the literature in individuals affected with CLUAP1-related conditions. This variant is present in population databases (rs765807717, gnomAD 0.02%). This sequence change replaces glutamic acid, which is acidic and polar, with aspartic acid, which is acidic and polar, at codon 96 of the CLUAP1 protein (p.Glu96Asp).

Ambry Genetics
Classification: Uncertain significance. Last evaluated: 2021-11-05. Review status: criteria provided, single submitter. Criteria: Ambry Variant Classification Scheme 2023. Collection method: clinical testing. Allele origin: germline.